The following is an entry in ClinVar:

NM_032043.3(BRIP1):c.436A>G (p.Ile146Val)

Gene: BRIP1 (BRCA1 interacting DNA helicase 1; minus strand). Cytogenetic location: 17q23.2.
Variant type: single nucleotide variant.
Coding change: c.436A>G on transcript NM_032043.3 (MANE Select); coding-DNA position 436, A replaced by G.
Protein change: p.Ile146Val; replaces isoleucine 146 with valine.
Molecular consequence: missense variant.
Genome position (GRCh38, 1-based): chr17:61,849,200, T>C on the plus strand (A>G on the coding strand, the complement: BRIP1 is on the minus strand). VCF-style: chr17-61849200-T-C. GRCh37 (hg19) VCF-style: chr17-59926561-T-C.
Other names: short protein forms I146V.
Identifiers: ClinVar variation 925990 (VCV000925990.9), dbSNP rs1567868598, ClinGen allele CA400484502.
Genomic context (GRCh38, chr17:61,849,200, plus strand): 5'-TTTCTAAGGGTCGAATTCTTTTCTTCTCTACTTGAAAATCATCATTTTCATCTCTGTATA[T>C]GGATGCCTGTTTCTTAGCAGATAACTTTGCAGCCAGAGTGGTTTTTTCAGGGGAGTCTTA-3'
Protein context (NP_114432.2, residues 136-156): AKLSAKKQAS[Ile146Val]YRDENDDFQV

ClinVar aggregate classification (germline): Conflicting classifications of pathogenicity. Review status: criteria provided, conflicting classifications (1 of 4 stars). 3 submissions from 3 submitters: Uncertain significance (2); Likely benign (1). Last evaluated 2024-02-20.

Conditions:
Fanconi anemia complementation group J. Also called: BRIP1-Related Fanconi Anemia. Identifiers: Orphanet 84, MedGen C1836860, MONDO:0012187, OMIM 609054.
Familial cancer of breast. Also called: BREAST CANCER, FAMILIAL; hereditary breast carcinoma; Hereditary breast cancer. Identifiers: Orphanet 227535, MedGen C0346153, MONDO:0016419, OMIM 114480. Disease mechanism: loss of function.
Hereditary cancer-predisposing syndrome. Also called: Tumor predisposition; Hereditary neoplastic syndrome; Neoplastic Syndromes, Hereditary; Hereditary Cancer Syndrome. Identifiers: Orphanet 140162, MedGen C0027672, MeSH D009386, MONDO:0015356.

Allele frequency attached by ClinVar (database versions not stated): gnomAD exomes below 0.00001.
gnomAD v4.1: 1 of 1,613,042 alleles (0.000062%); highest among the groups gnomAD compares: Non-Finnish European, 0.000085%; no homozygotes.

Submissions (3):

Labcorp Genetics (formerly Invitae), Labcorp
Classification: Uncertain significance for Familial cancer of breast; Fanconi anemia complementation group J. Last evaluated: 2024-02-20. Review status: criteria provided, single submitter. Criteria: Invitae Variant Classification Sherloc (09022015). Collection method: clinical testing. Allele origin: germline.
Comment: This sequence change replaces isoleucine, which is neutral and non-polar, with valine, which is neutral and non-polar, at codon 146 of the BRIP1 protein (p.Ile146Val). This variant is not present in population databases (gnomAD no frequency). This variant has not been reported in the literature in individuals affected with BRIP1-related conditions. ClinVar contains an entry for this variant (Variation ID: 925990). Advanced modeling of protein sequence and biophysical properties (such as structural, functional, and spatial information, amino acid conservation, physicochemical variation, residue mobility, and thermodynamic stability) performed at Invitae indicates that this missense variant is not expected to disrupt BRIP1 protein function with a negative predictive value of 80%. In summary, the available evidence is currently insufficient to determine the role of this variant in disease. Therefore, it has been classified as a Variant of Uncertain Significance.

Ambry Genetics
Classification: Likely benign for Hereditary cancer-predisposing syndrome. Last evaluated: 2022-11-10. Review status: criteria provided, single submitter. Criteria: Ambry Variant Classification Scheme 2023. Collection method: clinical testing. Allele origin: germline.

Color Diagnostics, LLC DBA Color Health
Classification: Uncertain significance for Hereditary cancer-predisposing syndrome. Last evaluated: 2020-10-05. Review status: criteria provided, single submitter. Criteria: ACMG Guidelines, 2015. Collection method: clinical testing. Allele origin: germline.
Comment: This missense variant replaces isoleucine with valine at codon 146 of the BRIP1 protein. Computational prediction suggests that this variant may not impact protein structure and function (internally defined REVEL score threshold <= 0.5, PMID: 27666373). To our knowledge, functional studies have not been reported for this variant. This variant has not been reported in individuals affected with hereditary cancer in the literature. This variant has not been identified in the general population by the Genome Aggregation Database (gnomAD). The available evidence is insufficient to determine the role of this variant in disease conclusively. Therefore, this variant is classified as a Variant of Uncertain Significance.